The following is an entry in ClinVar:

NM_025114.4(CEP290):c.5117del (p.Ser1706fs)

Gene: CEP290 (centrosomal protein 290; minus strand). Cytogenetic location: 12q21.32.
Variant type: Deletion.
Coding change: c.5117del on transcript NM_025114.4 (MANE Select); coding-DNA position 5117, one base deleted (C; older notation c.5117delC).
Protein change: p.Ser1706fs; shifts the reading frame from serine 1706.
Molecular consequence: frameshift variant.
Genome position (GRCh38, 1-based): chr12:88,080,291, G deleted on the plus strand (C on the coding strand, the reverse complement: CEP290 is on the minus strand). VCF-style (leftmost placement, unchanged base first): chr12-88080290-AG-A. GRCh37 (hg19) VCF-style: chr12-88474067-AG-A.
Other names: short protein forms S1706fs.
Identifiers: ClinVar variation 3349396 (VCV003349396.1).
Genomic context (GRCh38, chr12:88,080,290, plus strand): 5'-TAGATTTCTCATTGTAGTTGTTGGAGCTCTTGAATTTGCTTCTTTTTGAGCCTGAAGTTC[AG>A]ATTTTAAACACTGTGACTCCTTTTGTGACTGGTCCAGAAGATACTTTAAATCCTCTACTT-3'

ClinVar aggregate classification (germline): Pathogenic (0 of 4 stars; one submission).

Conditions:
CEP290-related disorder. Also called: CEP290-related condition; CEP290-related disorders. Identifiers: MedGen CN239314.

Submission:

PreventionGenetics, part of Exact Sciences
Classification: Pathogenic for CEP290-related condition. Last evaluated: 2024-01-22. Review status: no assertion criteria provided. Collection method: clinical testing. Allele origin: germline.
Comment: The CEP290 c.5117delC variant is predicted to result in a frameshift and premature protein termination (p.Ser1706Leufs*18). To our knowledge, this variant has not been reported in the literature or in a large population database, indicating this variant is rare. Frameshift variants in CEP290 are expected to be pathogenic. This variant is interpreted as pathogenic.